The following is an entry in ClinVar:

NM_000548.5(TSC2):c.2738C>T (p.Thr913Ile)

Gene: TSC2 (TSC complex subunit 2; plus strand). Cytogenetic location: 16p13.3.
Variant type: single nucleotide variant.
Coding change: c.2738C>T on transcript NM_000548.5 (MANE Select); coding-DNA position 2738, C replaced by T.
Protein change: p.Thr913Ile; replaces threonine 913 with isoleucine.
Molecular consequence: missense variant. On other transcripts: non-coding transcript variant (5).
Genome position (GRCh38, 1-based): chr16:2,076,166, C>T. VCF-style: chr16-2076166-C-T. GRCh37 (hg19) VCF-style: chr16-2126167-C-T.
Other names: c.2738C>T, p.Thr913Ile (NM_001370405.1, NM_001406663.1, NM_001406664.1 and 6 more transcripts); c.2828C>T, p.Thr943Ile (NM_001406667.1, NM_001406668.1); c.2627C>T, p.Thr876Ile (NM_001406670.1, NM_001406678.1, NM_001318827.2); c.2726C>T, p.Thr909Ile (NM_001406671.1, NM_001406673.1); c.2138C>T, p.Thr713Ile (NM_001406685.1, NM_001406686.1, NM_001406687.1 and 6 more transcripts); c.1394C>T, p.Thr465Ile (NM_001406689.1, NM_001406690.1, NM_001406691.1 and 6 more transcripts); c.1136C>T, p.Thr379Ile (NM_001406698.1); c.2591C>T, p.Thr864Ile (NM_001406675.1, NM_001406676.1, NM_001406679.1 and 1 more transcripts); and 3 more; short protein forms T465I, T759I, T864I, T894I, T909I, T379I, T713I, T876I.
Identifiers: ClinVar variation 2699303 (VCV002699303.3), dbSNP rs2151389251, ClinGen allele CA394279617.
Genomic context (GRCh38, chr16:2,076,166, plus strand): 5'-TAGCCATGTGGTTCATCAGGTGCCGCCTGCCCTTCCGGAAGGATTTTGTCCCTTTCATCA[C>T]TAAGGTGGGCTCAGGGCCGGTGAAGGCTGTGTCTCTCGGTAGGCCAGGGCTTGCTTTGCC-3'
Protein context (NP_000539.2, residues 903-923): PFRKDFVPFI[Thr913Ile]KGLRSNVLLS

ClinVar aggregate classification (germline): Uncertain significance (1 of 4 stars; one submission).

Conditions:
Tuberous sclerosis 2 (TSC2). Identifiers: Orphanet 805, MedGen C1860707, MONDO:0013199, OMIM 613254.

Submission:

Labcorp Genetics (formerly Invitae), Labcorp
Classification: Uncertain significance for Tuberous sclerosis 2. Last evaluated: 2024-11-11. Review status: criteria provided, single submitter. Criteria: Invitae Variant Classification Sherloc (09022015). Collection method: clinical testing. Allele origin: germline.
Comment: This sequence change replaces threonine, which is neutral and polar, with isoleucine, which is neutral and non-polar, at codon 913 of the TSC2 protein (p.Thr913Ile). This variant is not present in population databases (gnomAD no frequency). This variant has not been reported in the literature in individuals affected with TSC2-related conditions. ClinVar contains an entry for this variant (Variation ID: 2699303). Invitae Evidence Modeling of protein sequence and biophysical properties (such as structural, functional, and spatial information, amino acid conservation, physicochemical variation, residue mobility, and thermodynamic stability) indicates that this missense variant is not expected to disrupt TSC2 protein function with a negative predictive value of 95%. In summary, the available evidence is currently insufficient to determine the role of this variant in disease. Therefore, it has been classified as a Variant of Uncertain Significance.